The following is an entry in ClinVar:

ClinVar aggregate classification (germline): Conflicting classifications of pathogenicity. Review status: criteria provided, conflicting classifications (1 of 4 stars). 5 submissions from 5 submitters: Likely pathogenic (4); Uncertain significance (1). Last evaluated 2026-02-09.

Conditions:
Intellectual disability, X-linked, with or without seizures, ARX-related. Also called: MENTAL RETARDATION, X-LINKED 29; MENTAL RETARDATION, X-LINKED 32; MENTAL RETARDATION, X-LINKED 33; MENTAL RETARDATION, X-LINKED 38; MENTAL RETARDATION, X-LINKED 43; MENTAL RETARDATION, X-LINKED 76. Identifiers: Orphanet 777, MedGen C0796244, MONDO:0010317, OMIM 300419.
Developmental and epileptic encephalopathy, 1 (DEE1). Also called: X-linked infantile spasms; West's syndrome; Tonic spasms with clustering, arrest of psychomotor development and hypsarrhythmia on EEG; X-Linked Infantile Spasm Syndrome; OHTAHARA SYNDROME, X-LINKED; INFANTILE SPASM SYNDROME, X-LINKED 1. Identifiers: MedGen C3463992, MONDO:0010632, OMIM 308350. Disease mechanism: loss of function.
ARX-related disorder. Also called: ARX-related condition; ARX-Related Disorders. Identifiers: MedGen CN378769.

Submissions (5):

PreventionGenetics, part of Exact Sciences
Classification: Likely pathogenic for ARX-related condition. Last evaluated: 2026-02-09. Review status: criteria provided, single submitter. Criteria: ACMG Guidelines, 2015. Collection method: clinical testing. Allele origin: germline.
Comment: The ARX c.1607G>C variant is predicted to result in the amino acid substitution p.Arg536Thr. A different variant at the same amino acid residue (p.Arg536Ser) was reported in the hemizygous state in two males with X-linked intellectual disability, both inherited from unaffected heterozygous carrier females (Supplementary Table 5, Hu et al. 2016. PubMed ID: 25644381). This variant has not been reported in a gnomAD, indicating this variant is rare. This variant is interpreted as likely pathogenic.

GeneDx
Classification: Likely pathogenic. Last evaluated: 2026-01-29. Review status: criteria provided, single submitter. Criteria: GeneDx Variant Classification Process June 2021. Collection method: clinical testing. Allele origin: germline. Affected: yes.
Comment: Not observed at significant frequency in large population cohorts (gnomAD); In silico analysis supports that this missense variant has a deleterious effect on protein structure/function; This variant is associated with the following publications: (PMID: 32313153, 20300201, 31164858, 37432431)

Labcorp Genetics (formerly Invitae), Labcorp
Classification: Uncertain significance for Developmental and epileptic encephalopathy, 1; Intellectual disability, X-linked, with or without seizures, ARX-related. Last evaluated: 2025-12-15. Review status: criteria provided, single submitter. Criteria: Invitae Variant Classification Sherloc (09022015). Collection method: clinical testing. Allele origin: germline.
Comment: This sequence change replaces arginine, which is basic and polar, with threonine, which is neutral and polar, at codon 536 of the ARX protein (p.Arg536Thr). This variant is not present in population databases (gnomAD no frequency). This missense change has been observed in individuals with clinical features of ARX-related conditions (PMID: 31164858, 32313153, 37432431). ClinVar contains an entry for this variant (Variation ID: 869403). Invitae Evidence Modeling of protein sequence and biophysical properties (such as structural, functional, and spatial information, amino acid conservation, physicochemical variation, residue mobility, and thermodynamic stability) indicates that this missense variant is expected to disrupt ARX protein function with a positive predictive value of 80%. In summary, the available evidence is currently insufficient to determine the role of this variant in disease. Therefore, it has been classified as a Variant of Uncertain Significance.

Athena Diagnostics
Classification: Likely pathogenic. Last evaluated: 2021-10-15. Review status: criteria provided, single submitter. Criteria: Athena Diagnostics Criteria. Collection method: clinical testing. Allele origin: unknown.
Comment: This variant has been identified in at least one individual with clinical features associated with this gene and appears to segregate with disease in at least one family (PMID: 31164858, 32313153). This variant has not been reported in large, multi-ethnic general populations. This variant is located in a region that is considered important for protein function and/or structure (PMID: 20300201). Computational tools yielded predictions that this amino acid change may be damaging to the protein.This observation is not an independent occurrence and has been identified in the same individual by RCIGM, the other laboratory participating in the GEMINI study.

Kids Research, The Children's Hospital at Westmead
Classification: Likely pathogenic for Developmental and epileptic encephalopathy, 1. Review status: criteria provided, single submitter. Criteria: ACMG Guidelines, 2015. Collection method: research. Allele origin: inherited. Inheritance: X-linked inheritance. Affected: yes.

Literature cited by the submitters: PubMed 31164858 (cited by Labcorp Genetics (formerly Invitae), Labcorp); PubMed 32313153 (cited by Labcorp Genetics (formerly Invitae), Labcorp and Kids Research, The Children's Hospital at Westmead); PubMed 37432431 (cited by Labcorp Genetics (formerly Invitae), Labcorp).

NM_139058.3(ARX):c.1607G>C (p.Arg536Thr)

Gene: ARX (aristaless related homeobox; minus strand). Cytogenetic location: Xp21.3.
Variant type: single nucleotide variant.
Coding change: c.1607G>C on transcript NM_139058.3 (MANE Select); coding-DNA position 1607, G replaced by C.
Protein change: p.Arg536Thr; replaces arginine 536 with threonine.
Molecular consequence: missense variant.
Genome position (GRCh38, 1-based): chrX:25,004,752, C>G on the plus strand (G>C on the coding strand, the complement: ARX is on the minus strand). VCF-style: chrX-25004752-C-G. GRCh37 (hg19) VCF-style: chrX-25022869-C-G.
Other names: short protein forms R536T.
Identifiers: ClinVar variation 869403 (VCV000869403.7), dbSNP rs2048669411, ClinGen allele CA412610663.